The following is an entry in ClinVar:

NM_000288.4(PEX7):c.41C>T (p.Thr14Met)

Gene: PEX7 (peroxisomal biogenesis factor 7; plus strand). Cytogenetic location: 6q23.3.
Variant type: single nucleotide variant.
Coding change: c.41C>T on transcript NM_000288.4 (MANE Select); coding-DNA position 41, C replaced by T.
Protein change: p.Thr14Met; replaces threonine 14 with methionine.
Molecular consequence: missense variant.
Genome position (GRCh38, 1-based): chr6:136,822,706, C>T. VCF-style: chr6-136822706-C-T. GRCh37 (hg19) VCF-style: chr6-137143844-C-T.
Other names: short protein forms T14M.
Identifiers: ClinVar variation 1964504 (VCV001964504.2), dbSNP rs2548068757, ClinGen allele CA365855162.

ClinVar aggregate classification (germline): Uncertain significance (1 of 4 stars; one submission).

Conditions:
Peroxisome biogenesis disorder 9B. Also called: PEX7-Related Refsum Disease; Refsum disease, adult, 2; PEROXISOME BIOGENESIS DISORDER, PEX7-RELATED, ATYPICAL. Identifiers: Orphanet 773, MedGen C2749346, MONDO:0013945, OMIM 614879.

gnomAD v4.1: 1 of 1,517,644 alleles (0.000066%); no homozygotes.

Submission:

Labcorp Genetics (formerly Invitae), Labcorp
Classification: Uncertain significance for Peroxisome biogenesis disorder 9B. Last evaluated: 2022-03-09. Review status: criteria provided, single submitter. Criteria: Invitae Variant Classification Sherloc (09022015). Collection method: clinical testing. Allele origin: germline.
Comment: This sequence change replaces threonine, which is neutral and polar, with methionine, which is neutral and non-polar, at codon 14 of the PEX7 protein (p.Thr14Met). This variant is not present in population databases (gnomAD no frequency). This variant has not been reported in the literature in individuals affected with PEX7-related conditions. Algorithms developed to predict the effect of missense changes on protein structure and function (SIFT, PolyPhen-2, Align-GVGD) all suggest that this variant is likely to be tolerated. In summary, the available evidence is currently insufficient to determine the role of this variant in disease. Therefore, it has been classified as a Variant of Uncertain Significance.